The following is an entry in ClinVar:

NM_001113378.2(FANCI):c.3652-10A>G

Gene: FANCI (FA complementation group I; plus strand). Cytogenetic location: 15q26.1.
Variant type: single nucleotide variant.
Coding change: c.3652-10A>G on transcript NM_001113378.2 (MANE Select); 10 bases into the intron before coding-DNA position 3652, A replaced by G.
Molecular consequence: intron variant.
Genome position (GRCh38, 1-based): chr15:89,312,894, A>G. VCF-style: chr15-89312894-A-G. GRCh37 (hg19) VCF-style: chr15-89856125-A-G.
Other names: c.3472-10A>G (NM_018193.3); c.3652-10A>G (NM_001376911.1); c.3373-10A>G (NM_001376910.1).
Identifiers: ClinVar variation 526499 (VCV000526499.18), dbSNP rs202231175, ClinGen allele CA7723819.

ClinVar aggregate classification (germline): Conflicting classifications of pathogenicity. Review status: criteria provided, conflicting classifications (1 of 4 stars). 4 submissions from 4 submitters: Uncertain significance (1); Likely benign (2). 1 of the submissions does not count toward it. Last evaluated 2026-01-05.

Conditions:
Fanconi anemia (FA). Also called: Fanconi's anemia. Identifiers: Orphanet 84, MedGen C0015625, MeSH D005199, MONDO:0019391.
FANCI-related disorder. Also called: FANCI-related condition.
Fanconi anemia complementation group I (FANCI). Also called: FANCI-Related Fanconi Anemia. Identifiers: Orphanet 84, MedGen C1836861, MONDO:0012186, OMIM 609053.

Allele frequency attached by ClinVar (database versions not stated): TOPMed 0.00010; ESP Exome Variant Server 0.00031.
gnomAD v4.1: 452 of 1,608,458 alleles (0.028%); highest among the groups gnomAD compares: Non-Finnish European, 0.034%; no homozygotes.

Submissions (4):

Labcorp Genetics (formerly Invitae), Labcorp
Classification: Likely benign for Fanconi anemia. Last evaluated: 2026-01-05. Review status: criteria provided, single submitter. Criteria: Invitae Variant Classification Sherloc (09022015). Collection method: clinical testing. Allele origin: germline.

Blueprint Genetics
Classification: Likely benign. Last evaluated: 2023-11-22. Review status: criteria provided, single submitter. Criteria: ACMG Guidelines, 2015. Collection method: clinical testing. Allele origin: germline.

Illumina Laboratory Services, Illumina
Classification: Uncertain significance for Fanconi anemia complementation group I. Last evaluated: 2018-01-12. Review status: criteria provided, single submitter. Criteria: ICSL Variant Classification Criteria 13 December 2019. Collection method: clinical testing. Allele origin: germline.

PreventionGenetics, part of Exact Sciences
Classification: Likely benign for FANCI-related condition. Last evaluated: 2019-03-08. Review status: no assertion criteria provided. Collection method: clinical testing. Allele origin: germline. Not counted in ClinVar's aggregate classification.
Comment: This variant is classified as likely benign based on ACMG/AMP sequence variant interpretation guidelines (Richards et al. 2015 PMID: 25741868, with internal and published modifications).